The following is an entry in ClinVar:

ClinVar aggregate classification (germline): Uncertain significance. Review status: criteria provided, multiple submitters, no conflicts (2 of 4 stars). 4 submissions from 4 submitters: Uncertain significance (4). Last evaluated 2024-09-11.

Conditions:
Inborn genetic diseases. Identifiers: MedGen C0950123, MeSH D030342.
Glycogen storage disease, type IV (GSD4). Also called: BRANCHER DEFICIENCY; CIRRHOSIS, FAMILIAL, WITH DEPOSITION OF ABNORMAL GLYCOGEN; GBE1 DEFICIENCY; GLYCOGEN BRANCHING ENZYME DEFICIENCY; GLYCOGENOSIS IV; GSD IV. Identifiers: Orphanet 367, MedGen C0017923, MONDO:0009292, OMIM 232500.
Glycogen storage disease IV, classic hepatic. Also called: GSD IV, CLASSIC HEPATIC. Identifiers: MedGen C1856301.

Allele frequency attached by ClinVar (database versions not stated): gnomAD exomes 0.00003; gnomAD 0.00004; TOPMed 0.00004; ESP Exome Variant Server 0.00008; ExAC 0.00009.
gnomAD v4.1: 49 of 1,606,484 alleles (0.0031%); highest among the groups gnomAD compares: African/African-American, 0.004%; no homozygotes.

Submissions (4):

Ambry Genetics
Classification: Uncertain significance for Inborn genetic diseases. Last evaluated: 2024-09-11. Review status: criteria provided, single submitter. Criteria: Ambry Variant Classification Scheme 2023. Collection method: clinical testing. Allele origin: germline.

Blueprint Genetics
Classification: Uncertain significance. Last evaluated: 2024-03-15. Review status: criteria provided, single submitter. Criteria: ACMG Guidelines, 2015. Collection method: clinical testing. Allele origin: germline.

Mayo Clinic Laboratories, Mayo Clinic
Classification: Uncertain significance. Last evaluated: 2024-02-12. Review status: criteria provided, single submitter. Criteria: ACMG Guidelines, 2015. Collection method: clinical testing. Allele origin: germline. Observed: 1 variant allele.

Labcorp Genetics (formerly Invitae), Labcorp
Classification: Uncertain significance for Glycogen storage disease, type IV; Glycogen storage disease IV, classic hepatic. Last evaluated: 2022-08-09. Review status: criteria provided, single submitter. Criteria: Invitae Variant Classification Sherloc (09022015). Collection method: clinical testing. Allele origin: germline.
Comment: This sequence change replaces threonine with methionine at codon 463 of the GBE1 protein (p.Thr463Met). The threonine residue is highly conserved and there is a moderate physicochemical difference between threonine and methionine. This variant is present in population databases (rs200580762, gnomAD 0.01%). This variant has not been reported in the literature in individuals affected with GBE1-related conditions. Algorithms developed to predict the effect of missense changes on protein structure and function are either unavailable or do not agree on the potential impact of this missense change (SIFT: "Not Available"; PolyPhen-2: "Probably Damaging"; Align-GVGD: "Not Available"). In summary, the available evidence is currently insufficient to determine the role of this variant in disease. Therefore, it has been classified as a Variant of Uncertain Significance.

NM_000158.4(GBE1):c.1388C>T (p.Thr463Met)

Gene: GBE1 (1,4-alpha-glucan branching enzyme 1; minus strand). Cytogenetic location: 3p12.2.
Variant type: single nucleotide variant.
Coding change: c.1388C>T on transcript NM_000158.4 (MANE Select); coding-DNA position 1388, C replaced by T.
Protein change: p.Thr463Met; replaces threonine 463 with methionine.
Molecular consequence: missense variant.
Genome position (GRCh38, 1-based): chr3:81,581,223, G>A on the plus strand (C>T on the coding strand, the complement: GBE1 is on the minus strand). VCF-style: chr3-81581223-G-A. GRCh37 (hg19) VCF-style: chr3-81630374-G-A.
Other names: p.Thr463Met; c.1388C>T (NM_000158.3); short protein forms T463M.
Identifiers: ClinVar variation 2194909 (VCV002194909.4), dbSNP rs200580762, ClinGen allele CA2499683.